The following is an entry in ClinVar:

NM_006885.4(ZFHX3):c.9649C>T (p.Gln3217Ter)

Genes: ZFHX3 (zinc finger homeobox 3; minus strand), ZFHX3-AS1 (ZFHX3 antisense RNA 1; plus strand). Cytogenetic location: 16q22.2.
Variant type: single nucleotide variant.
Coding change: c.9649C>T on transcript NM_006885.4 (MANE Select); coding-DNA position 9649, C replaced by T.
Protein change: p.Gln3217Ter; replaces glutamine 3217 with a stop codon.
Molecular consequence: nonsense.
Genome position (GRCh38, 1-based): chr16:72,788,627, G>A on the plus strand (C>T on the coding strand, the complement: ZFHX3 is on the minus strand). VCF-style: chr16-72788627-G-A. GRCh37 (hg19) VCF-style: chr16-72822526-G-A.
Other names: c.6907C>T, p.Gln2303Ter (NM_001164766.2); c.9649C>T, p.Gln3217Ter (NM_001386735.1); short protein forms Q2303*, Q3217*.
Identifiers: ClinVar variation 4850053 (VCV004850053.1).

ClinVar aggregate classification (germline): Likely pathogenic (1 of 4 stars; one submission).

Conditions:
Autosomal dominant ZFHX3-related disorders.

Submission:

Variantyx, Inc.
Classification: Likely pathogenic for Autosomal dominant ZFHX3-related disorders. Last evaluated: 2026-01-21. Review status: criteria provided, single submitter. Criteria: Variantyx Assertion Criteria 2022. Collection method: clinical testing. Allele origin: de novo. Inheritance: Autosomal dominant inheritance. Affected: yes.
Comment: This is a nonsense variant in the ZFHX3 gene (OMIM: 104155). Pathogenic variants in this gene have been associated with autosomal dominant ZFHX3-related disorders. The alteration introduces a premature termination codon in exon 10 out of 10 and is expected to disrupt the C-terminal region of protein. There is emerging evidence that variants in ZFHX3 have a causative role in a previously unrecognized syndromic neurodevelopmental disorder, in which transmission from a mildly affected parent has been observed (PMID: 38412861, 38508705). This variant introduces a premature termination codon resulting in an expected loss of function, which is the reported disease mechanism for ZFHX3 in the neurodevelopmental disorder described (PMID: 38412861) (PVS1).(PMID: 38412861) (PVS1_Strong). This variant is absent from control populations (PM2, and it has not been reported in individuals with ZFHX3-related disorders in the databases available for review. Based on the current evidence, this variant is classified as likely pathogenic for autosomal dominant ZFHX3-related disorder.s

Literature cited by the submitters: PubMed 38412861; PubMed 38508705.